The following is an entry in ClinVar:

NM_004064.5(CDKN1B):c.269G>A (p.Arg90Lys)

Gene: CDKN1B (cyclin dependent kinase inhibitor 1B; plus strand). Cytogenetic location: 12p13.1.
Variant type: single nucleotide variant.
Coding change: c.269G>A on transcript NM_004064.5 (MANE Select); coding-DNA position 269, G replaced by A.
Protein change: p.Arg90Lys; replaces arginine 90 with lysine.
Molecular consequence: missense variant.
Genome position (GRCh38, 1-based): chr12:12,718,108, G>A. VCF-style: chr12-12718108-G-A. GRCh37 (hg19) VCF-style: chr12-12871042-G-A.
Other names: short protein forms R90K.
Identifiers: ClinVar variation 1794885 (VCV001794885.2), dbSNP rs2136355940, ClinGen allele CA383969918.
Genomic context (GRCh38, chr12:12,718,108, plus strand): 5'-TAGAGGGCAAGTACGAGTGGCAAGAGGTGGAGAAGGGCAGCTTGCCCGAGTTCTACTACA[G>A]ACCCCCGCGGCCCCCCAAAGGTGCCTGCAAGGTGCCGGCGCAGGAGAGCCAGGATGTCAG-3'
Protein context (NP_004055.1, residues 80-100): EKGSLPEFYY[Arg90Lys]PPRPPKGACK

ClinVar aggregate classification (germline): Uncertain significance (1 of 4 stars; one submission).

Conditions:
Hereditary cancer-predisposing syndrome. Also called: Tumor predisposition; Hereditary Cancer Syndrome; Neoplastic Syndromes, Hereditary; Hereditary neoplastic syndrome. Identifiers: Orphanet 140162, MedGen C0027672, MeSH D009386, MONDO:0015356.

Submission:

Ambry Genetics
Classification: Uncertain significance for Hereditary cancer-predisposing syndrome. Last evaluated: 2022-05-12. Review status: criteria provided, single submitter. Criteria: Ambry Variant Classification Scheme 2023. Collection method: clinical testing. Allele origin: germline.
Comment: The p.R90K variant (also known as c.269G>A), located in coding exon 1 of the CDKN1B gene, results from a G to A substitution at nucleotide position 269. The arginine at codon 90 is replaced by lysine, an amino acid with highly similar properties. This amino acid position is conserved. In addition, the in silico prediction for this alteration is inconclusive. Since supporting evidence is limited at this time, the clinical significance of this alteration remains unclear.